The following is an entry in ClinVar:

NM_014714.4(IFT140):c.2577+3G>A

Gene: IFT140 (intraflagellar transport 140; minus strand). Cytogenetic location: 16p13.3.
Variant type: single nucleotide variant.
Coding change: c.2577+3G>A on transcript NM_014714.4 (MANE Select); 3 bases into the intron after coding-DNA position 2577, G replaced by A.
Molecular consequence: intron variant.
Genome position (GRCh38, 1-based): chr16:1,526,616, C>T on the plus strand (G>A on the coding strand, the complement: IFT140 is on the minus strand). VCF-style: chr16-1526616-C-T. GRCh37 (hg19) VCF-style: chr16-1576617-C-T.
Identifiers: ClinVar variation 2090166 (VCV002090166.4), dbSNP rs751999410, ClinGen allele CA7813581.

ClinVar aggregate classification (germline): Uncertain significance (1 of 4 stars; one submission).

Conditions:
Saldino-Mainzer syndrome (SRTD9). Also called: CONORENAL SYNDROME; Renal dysplasia, retinal pigmentary dystrophy, cerebellar ataxia and skeletal dysplasia; SHORT-RIB THORACIC DYSPLASIA 9 WITHOUT POLYDACTYLY; short-rib thoracic dysplasia 9 with or without polydactyly. Identifiers: Orphanet 140969, MedGen C1849437, MONDO:0009964, OMIM 266920.

Allele frequency attached by ClinVar (database versions not stated): TOPMed 0.00001; ExAC 0.00007.
gnomAD v4.1: 3 of 1,542,884 alleles (0.00019%); highest among the groups gnomAD compares: East Asian, 0.0024%; no homozygotes.

Submission:

Labcorp Genetics (formerly Invitae), Labcorp
Classification: Uncertain significance for Saldino-Mainzer syndrome. Last evaluated: 2022-07-18. Review status: criteria provided, single submitter. Criteria: Invitae Variant Classification Sherloc (09022015). Collection method: clinical testing. Allele origin: germline.
Comment: In summary, the available evidence is currently insufficient to determine the role of this variant in disease. Therefore, it has been classified as a Variant of Uncertain Significance. Variants that disrupt the consensus splice site are a relatively common cause of aberrant splicing (PMID: 17576681, 9536098). Algorithms developed to predict the effect of sequence changes on RNA splicing suggest that this variant is not likely to affect RNA splicing. This variant has not been reported in the literature in individuals affected with IFT140-related conditions. This variant is present in population databases (rs751999410, gnomAD 0.008%). This sequence change falls in intron 20 of the IFT140 gene. It does not directly change the encoded amino acid sequence of the IFT140 protein. It affects a nucleotide within the consensus splice site.

Literature cited by the submitters: PubMed 17576681; PubMed 9536098.